The following is an entry in ClinVar:

NM_002485.5(NBN):c.994+1del

Gene: NBN (nibrin; minus strand). Cytogenetic location: 8q21.3.
Variant type: Deletion.
Coding change: c.994+1del on transcript NM_002485.5 (MANE Select); the canonical splice donor site of the intron after coding-DNA position 994, one base deleted (G; older notation c.994+1delG).
Molecular consequence: splice donor variant.
Genome position (GRCh38, 1-based): chr8:89,964,409, C deleted on the plus strand (G on the coding strand, the reverse complement: NBN is on the minus strand); the first of 2 consecutive C bases (chr8:89,964,409-89,964,410); deleting either gives the same sequence. VCF-style (leftmost placement, unchanged base first): chr8-89964408-AC-A. GRCh37 (hg19) VCF-style: chr8-90976636-AC-A.
Other names: c.748+1del (NM_001024688.3).
Identifiers: ClinVar variation 1768684 (VCV001768684.2), dbSNP rs2488283819, ClinGen allele CA2580078993.

ClinVar aggregate classification (germline): Likely pathogenic (1 of 4 stars; one submission).

Conditions:
Hereditary cancer-predisposing syndrome. Also called: Hereditary Cancer Syndrome; Hereditary neoplastic syndrome; Neoplastic Syndromes, Hereditary; Tumor predisposition. Identifiers: Orphanet 140162, MedGen C0027672, MeSH D009386, MONDO:0015356.

Submission:

Ambry Genetics
Classification: Likely pathogenic for Hereditary cancer-predisposing syndrome. Last evaluated: 2021-12-02. Review status: criteria provided, single submitter. Criteria: Ambry Variant Classification Scheme 2023. Collection method: clinical testing. Allele origin: germline.
Comment: The c.994+1delG intronic variant is located one nucleotide after coding exon 8 of the NBN gene. This variant results from a deletion of one nucleotide at position c.994+1. This variant is considered to be rare based on population cohorts in the Genome Aggregation Database (gnomAD). This nucleotide position is highly conserved in available vertebrate species. In silico splice site analysis predicts that this alteration will weaken the native splice donor site. RNA studies have demonstrated that this alteration results in abnormal splicing in the set of samples tested (Ambry internal data). Alterations that disrupt the canonical splice site are expected to cause aberrant splicing, resulting in an abnormal protein or a transcript that is subject to nonsense-mediated mRNA decay. Based on the majority of available evidence to date, this variant is likely to be pathogenic.